The following is an entry in ClinVar:

ClinVar aggregate classification (germline): Uncertain significance. Review status: criteria provided, single submitter (1 of 4 stars). 2 submissions from 2 submitters: Uncertain significance (1). 1 of the submissions does not count toward it. Last evaluated 2025-05-21.

Conditions:
Juvenile polyposis syndrome (JPS). Identifiers: Orphanet 2929, MedGen C0345893, MONDO:0017380, OMIM 174900.

Submissions (2):

Dasa
Classification: Uncertain significance. Last evaluated: 2025-05-21. Review status: criteria provided, single submitter. Criteria: DASA Assertion Criteria. Collection method: clinical testing. Allele origin: germline.
Comment: NM_004329.3(BMPR1A):c.1127G>A (p.Cys376Tyr) is a missense variant that results in the substitution of cysteine with tyrosine. Segregation data support an association with disease in the reported family/families (PMID: 11536076; PMID: 30884445). Also, this variant is absent from population databases. Computational prediction algorithms are consistent with a deleterious effect. The currently available literature and clinical evidence are not sufficient to establish a definitive association between this variant and the reported condition. Therefore, this variant is classified as a variant of uncertain significance.

OMIM
Classification: Pathogenic for JUVENILE POLYPOSIS SYNDROME. Last evaluated: 2001-10-01. Review status: no assertion criteria provided. Collection method: literature only. Allele origin: germline. Not counted in ClinVar's aggregate classification.

Literature cited by the submitters: PubMed 11536076 (cited by Dasa and OMIM); PubMed 30884445 (cited by Dasa).

NM_004329.3(BMPR1A):c.1127G>A (p.Cys376Tyr)

Gene: BMPR1A (bone morphogenetic protein receptor type 1A; plus strand). Cytogenetic location: 10q23.2.
Variant type: single nucleotide variant.
Coding change: c.1127G>A on transcript NM_004329.3 (MANE Select); coding-DNA position 1127, G replaced by A.
Protein change: p.Cys376Tyr; replaces cysteine 376 with tyrosine.
Molecular consequence: missense variant.
Genome position (GRCh38, 1-based): chr10:86,919,430, G>A. VCF-style: chr10-86919430-G-A. GRCh37 (hg19) VCF-style: chr10-88679187-G-A.
Other names: short protein forms C376Y.
Identifiers: ClinVar variation 8235 (VCV000008235.5), dbSNP rs199476088, ClinGen allele CA254363.